The following is an entry in ClinVar:

NM_000051.4(ATM):c.3402+7T>C

Gene: ATM (ATM serine/threonine kinase; plus strand). Cytogenetic location: 11q22.3.
Variant type: single nucleotide variant.
Coding change: c.3402+7T>C on transcript NM_000051.4 (MANE Select); 7 bases into the intron after coding-DNA position 3402, T replaced by C.
Molecular consequence: intron variant.
Genome position (GRCh38, 1-based): chr11:108,279,615, T>C. VCF-style: chr11-108279615-T-C. GRCh37 (hg19) VCF-style: chr11-108150342-T-C.
Other names: c.3402+7T>C (NM_001351834.2).
Identifiers: ClinVar variation 3254017 (VCV003254017.1), dbSNP rs2546863146.

ClinVar aggregate classification (germline): Likely benign (1 of 4 stars; one submission).

Conditions:
Familial cancer of breast. Also called: BREAST CANCER, FAMILIAL; Hereditary breast cancer; hereditary breast carcinoma. Identifiers: Orphanet 227535, MedGen C0346153, MONDO:0016419, OMIM 114480. Disease mechanism: loss of function.

Submission:

Myriad Genetics, Inc.
Classification: Likely benign for Familial cancer of breast. Last evaluated: 2024-05-14. Review status: criteria provided, single submitter. Criteria: Myriad Autosomal Dominant, Autosomal Recessive and X-Linked Classification Criteria (2023). Collection method: clinical testing. Allele origin: unknown.
Comment: This variant is considered likely benign. This variant is intronic and is not expected to impact mRNA splicing.